The following is an entry in ClinVar:

ClinVar aggregate classification (germline): Uncertain significance. Review status: criteria provided, multiple submitters, no conflicts (2 of 4 stars). 2 submissions from 2 submitters: Uncertain significance (2). Last evaluated 2025-03-17.

Conditions:
Inborn genetic diseases. Identifiers: MedGen C0950123, MeSH D030342.

Allele frequency attached by ClinVar (database versions not stated): ESP Exome Variant Server 0.00008; gnomAD exomes 0.00003; TOPMed 0.00012; ExAC 0.00002; gnomAD 0.00012.

Submissions (2):

Ambry Genetics
Classification: Uncertain significance for Inborn genetic diseases. Last evaluated: 2025-03-17. Review status: criteria provided, single submitter. Criteria: Ambry Variant Classification Scheme 2023. Collection method: clinical testing. Allele origin: germline.

Labcorp Genetics (formerly Invitae), Labcorp
Classification: Uncertain significance. Last evaluated: 2022-05-25. Review status: criteria provided, single submitter. Criteria: Invitae Variant Classification Sherloc (09022015). Collection method: clinical testing. Allele origin: germline.
Comment: This sequence change replaces arginine, which is basic and polar, with tryptophan, which is neutral and slightly polar, at codon 253 of the ZNF335 protein (p.Arg253Trp). This variant is present in population databases (rs369169466, gnomAD 0.03%). This variant has not been reported in the literature in individuals affected with ZNF335-related conditions. Algorithms developed to predict the effect of missense changes on protein structure and function (SIFT, PolyPhen-2, Align-GVGD) all suggest that this variant is likely to be disruptive. In summary, the available evidence is currently insufficient to determine the role of this variant in disease. Therefore, it has been classified as a Variant of Uncertain Significance.

NM_022095.4(ZNF335):c.757C>T (p.Arg253Trp)

Gene: ZNF335 (zinc finger protein 335; minus strand). Cytogenetic location: 20q13.12.
Variant type: single nucleotide variant.
Coding change: c.757C>T on transcript NM_022095.4 (MANE Select); coding-DNA position 757, C replaced by T.
Protein change: p.Arg253Trp; replaces arginine 253 with tryptophan.
Molecular consequence: missense variant.
Genome position (GRCh38, 1-based): chr20:45,967,791, G>A on the plus strand (C>T on the coding strand, the complement: ZNF335 is on the minus strand). VCF-style: chr20-45967791-G-A. GRCh37 (hg19) VCF-style: chr20-44596430-G-A.
Other names: c.757C>T (NM_022095.3); short protein forms R253W.
Identifiers: ClinVar variation 2069861 (VCV002069861.2), dbSNP rs369169466, ClinGen allele CA9885991.